The following is an entry in ClinVar:

ClinVar aggregate classification (germline): Uncertain significance. Review status: criteria provided, multiple submitters, no conflicts (2 of 4 stars). 2 submissions from 2 submitters: Uncertain significance (2). Last evaluated 2024-03-17.

Conditions:
Neurodevelopmental disorder with or without autism or seizures (NEDAUS). Identifiers: MedGen C5543225, MONDO:0030994, OMIM 619239.
Pseudohypoaldosteronism type 2E (PHA2E). Also called: Pseudohypoaldosteronism Type IIE. Identifiers: Orphanet 300530, Orphanet 757, MedGen C3469606, MONDO:0013782, OMIM 614496.

Allele frequency attached by ClinVar (database versions not stated): TOPMed below 0.00001; ExAC 0.00001.
gnomAD v4.1: 3 of 1,612,230 alleles (0.00019%); highest among the groups gnomAD compares: Non-Finnish European, 0.00025%; no homozygotes.

Submissions (2):

Fulgent Genetics
Classification: Uncertain significance for Pseudohypoaldosteronism type 2E; Neurodevelopmental disorder with or without autism or seizures. Last evaluated: 2024-03-17. Review status: criteria provided, single submitter. Criteria: ACMG Guidelines, 2015. Collection method: clinical testing. Allele origin: germline.

Labcorp Genetics (formerly Invitae), Labcorp
Classification: Uncertain significance. Last evaluated: 2023-11-24. Review status: criteria provided, single submitter. Criteria: Invitae Variant Classification Sherloc (09022015). Collection method: clinical testing. Allele origin: germline.
Comment: This sequence change replaces alanine, which is neutral and non-polar, with valine, which is neutral and non-polar, at codon 732 of the CUL3 protein (p.Ala732Val). This variant is present in population databases (rs745316138, gnomAD 0.006%). This variant has not been reported in the literature in individuals affected with CUL3-related conditions. Advanced modeling of protein sequence and biophysical properties (such as structural, functional, and spatial information, amino acid conservation, physicochemical variation, residue mobility, and thermodynamic stability) performed at Invitae indicates that this missense variant is not expected to disrupt CUL3 protein function with a negative predictive value of 80%. In summary, the available evidence is currently insufficient to determine the role of this variant in disease. Therefore, it has been classified as a Variant of Uncertain Significance.

NM_003590.5(CUL3):c.2195C>T (p.Ala732Val)

Gene: CUL3 (cullin 3; minus strand). Cytogenetic location: 2q36.2.
Variant type: single nucleotide variant.
Coding change: c.2195C>T on transcript NM_003590.5 (MANE Select); coding-DNA position 2195, C replaced by T.
Protein change: p.Ala732Val; replaces alanine 732 with valine.
Molecular consequence: missense variant.
Genome position (GRCh38, 1-based): chr2:224,474,357, G>A on the plus strand (C>T on the coding strand, the complement: CUL3 is on the minus strand). VCF-style: chr2-224474357-G-A. GRCh37 (hg19) VCF-style: chr2-225339074-G-A.
Other names: c.1997C>T, p.Ala666Val (NM_001257197.2); c.2213C>T, p.Ala738Val (NM_001257198.2); short protein forms A738V, A666V, A732V.
Identifiers: ClinVar variation 2984422 (VCV002984422.4), dbSNP rs745316138, ClinGen allele CA2139797.